The following is an entry in ClinVar:

NM_001365951.3(KIF1B):c.2734A>G (p.Thr912Ala)

Genes: KIF1B (kinesin family member 1B; plus strand), LOC126805614 (BRD4-independent group 4 enhancer GRCh37_chr1:10385546-10386745; plus strand). Cytogenetic location: 1p36.22.
Variant type: single nucleotide variant.
Coding change: c.2734A>G on transcript NM_001365951.3 (MANE Select); coding-DNA position 2734, A replaced by G.
Protein change: p.Thr912Ala; replaces threonine 912 with alanine.
Molecular consequence: missense variant.
Genome position (GRCh38, 1-based): chr1:10,326,169, A>G. VCF-style: chr1-10326169-A-G. GRCh37 (hg19) VCF-style: chr1-10386227-A-G.
Other names: c.2734A>G, p.Thr912Ala (NM_001365952.1); c.2596A>G, p.Thr866Ala (NM_015074.3); short protein forms T866A, T912A.
Identifiers: ClinVar variation 1793568 (VCV001793568.3), dbSNP rs770611509, ClinGen allele CA338336946.

ClinVar aggregate classification (germline): Uncertain significance (1 of 4 stars; one submission).

Allele frequency attached by ClinVar (database versions not stated): gnomAD exomes below 0.00001.

Submission:

Ambry Genetics
Classification: Uncertain significance. Last evaluated: 2025-01-21. Review status: criteria provided, single submitter. Criteria: Ambry Variant Classification Scheme 2023. Collection method: clinical testing. Allele origin: germline.
Comment: The p.T866A variant (also known as c.2596A>G), located in coding exon 24 of the KIF1B gene, results from an A to G substitution at nucleotide position 2596. The threonine at codon 866 is replaced by alanine, an amino acid with similar properties. This amino acid position is conserved. In addition, the in silico prediction for this alteration is inconclusive. The evidence for this gene-disease relationship is limited; therefore, the clinical significance of this alteration is unclear.